The following is an entry in ClinVar:

NM_001267550.2(TTN):c.90935del (p.Val30312fs)

Genes: TTN (titin; minus strand), TTN-AS1 (TTN antisense RNA 1; plus strand). Cytogenetic location: 2q31.2.
Variant type: Deletion.
Coding change: c.90935del on transcript NM_001267550.2 (MANE Select); coding-DNA position 90935, one base deleted (T; older notation c.90935delT).
Protein change: p.Val30312fs; shifts the reading frame from valine 30312.
Molecular consequence: frameshift variant.
Genome position (GRCh38, 1-based): chr2:178,551,965, A deleted on the plus strand (T on the coding strand, the reverse complement: TTN is on the minus strand). VCF-style (leftmost placement, unchanged base first): chr2-178551964-GA-G. GRCh37 (hg19) VCF-style: chr2-179416691-GA-G.
Other names: c.86012del, p.Val28671fs (NM_001256850.1); c.63740del, p.Val21247fs (NM_003319.4); c.83231del, p.Val27744fs (NM_133378.4); c.64115del, p.Val21372fs (NM_133432.3); c.64316del, p.Val21439fs (NM_133437.4); c.63740delT (NM_003319.4); short protein forms V21247fs, V27744fs, V21372fs, V21439fs, V28671fs, V30312fs.
Identifiers: ClinVar variation 2566398 (VCV002566398.3), dbSNP rs2469272983, ClinGen allele CA2580614442.

ClinVar aggregate classification (germline): Likely pathogenic (1 of 4 stars; one submission).

Conditions:
Cardiovascular phenotype. Identifiers: MedGen CN230736.

Submission:

Ambry Genetics
Classification: Likely pathogenic for Cardiovascular phenotype. Last evaluated: 2025-12-30. Review status: criteria provided, single submitter. Criteria: Ambry Variant Classification Scheme 2023. Collection method: clinical testing. Allele origin: germline.
Comment: The c.63740delT variant, located in coding exon 162 of the TTN gene, results from a deletion of one nucleotide at nucleotide position 63740, causing a translational frameshift with a predicted alternate stop codon (p.V21247Afs*25). This exon is located in the A-band region of the N2-B isoform of the titin protein and is constitutively expressed in TTN transcripts (percent spliced in or PSI 100%). This variant is considered to be rare based on population cohorts in the Genome Aggregation Database (gnomAD). This alteration is expected to result in loss of function by premature protein truncation or nonsense-mediated mRNA decay. While truncating variants in TTN are present in 1-3% of the general population, truncating variants in the A-band are the most common cause of dilated cardiomyopathy (DCM) (Herman DS et al. N. Engl. J. Med., 2012 Feb;366:619-28; Roberts AM et al. Sci Transl Med, 2015 Jan;7:270ra6). TTN truncating variants encoded in constitutive exons (PSI >90%) have been found to be significantly associated with DCM regardless of their position in titin (Schafer S et al. Nat. Genet., 2017 01;49:46-53). Based on the majority of available evidence to date, this variant is likely to be pathogenic.